The following is an entry in ClinVar:

ClinVar aggregate classification (germline): Uncertain significance (1 of 4 stars; one submission).

Allele frequency attached by ClinVar (database versions not stated): TOPMed below 0.00001; ExAC 0.00001; gnomAD 0.00001; gnomAD exomes 0.00001.
gnomAD v4.1: 10 of 1,613,246 alleles (0.00062%); highest among the groups gnomAD compares: Non-Finnish European, 0.00076%; no homozygotes.

Submission:

Labcorp Genetics (formerly Invitae), Labcorp
Classification: Uncertain significance. Last evaluated: 2023-08-03. Review status: criteria provided, single submitter. Criteria: Invitae Variant Classification Sherloc (09022015). Collection method: clinical testing. Allele origin: germline.
Comment: In summary, the available evidence is currently insufficient to determine the role of this variant in disease. Therefore, it has been classified as a Variant of Uncertain Significance. Advanced modeling of protein sequence and biophysical properties (such as structural, functional, and spatial information, amino acid conservation, physicochemical variation, residue mobility, and thermodynamic stability) performed at Invitae indicates that this missense variant is not expected to disrupt RAI1 protein function. This variant has not been reported in the literature in individuals affected with RAI1-related conditions. This variant is present in population databases (rs754023496, gnomAD 0.0009%). This sequence change replaces threonine, which is neutral and polar, with serine, which is neutral and polar, at codon 1131 of the RAI1 protein (p.Thr1131Ser).

NM_030665.4(RAI1):c.3391A>T (p.Thr1131Ser)

Gene: RAI1 (retinoic acid induced 1; plus strand). Cytogenetic location: 17p11.2.
Variant type: single nucleotide variant.
Coding change: c.3391A>T on transcript NM_030665.4 (MANE Select); coding-DNA position 3391, A replaced by T.
Protein change: p.Thr1131Ser; replaces threonine 1131 with serine.
Molecular consequence: missense variant.
Genome position (GRCh38, 1-based): chr17:17,796,339, A>T. VCF-style: chr17-17796339-A-T. GRCh37 (hg19) VCF-style: chr17-17699653-A-T.
Other names: short protein forms T1131S.
Identifiers: ClinVar variation 2998208 (VCV002998208.3), dbSNP rs754023496, ClinGen allele CA8418711.